The following is an entry in ClinVar:

NM_000262.3(NAGA):c.1172A>C (p.Asn391Thr)

Gene: NAGA (alpha-N-acetylgalactosaminidase; minus strand). Cytogenetic location: 22q13.2.
Variant type: single nucleotide variant.
Coding change: c.1172A>C on transcript NM_000262.3 (MANE Select); coding-DNA position 1172, A replaced by C.
Protein change: p.Asn391Thr; replaces asparagine 391 with threonine.
Molecular consequence: missense variant.
Genome position (GRCh38, 1-based): chr22:42,060,343, T>G on the plus strand (A>C on the coding strand, the complement: NAGA is on the minus strand). VCF-style: chr22-42060343-T-G. GRCh37 (hg19) VCF-style: chr22-42456347-T-G.
Other names: c.1172A>C, p.Asn391Thr (NM_001362848.1, NM_001362850.1); short protein forms N391T.
Identifiers: ClinVar variation 1504233 (VCV001504233.5), dbSNP rs752717782, ClinGen allele CA10263569.
Genomic context (GRCh38, chr22:42,060,343, plus strand): 5'-TGCTGGGACATCTCCAGGTTCTTGATGGGATACAGGTACCACATCACTACCCCTGAAGGG[T>G]TGATGATCACTGTGAAGTTGGTTTCATCTCGGAGGCCACTGATGATGTCACCTGAGTAGA-3'
Protein context (NP_000253.1, residues 381-401): RDETNFTVII[Asn391Thr]PSGVVMWYLY

ClinVar aggregate classification (germline): Uncertain significance (1 of 4 stars; one submission).

Conditions:
Alpha-N-acetylgalactosaminidase deficiency type 1. Also called: SCHINDLER DISEASE, TYPE I; NAGA DEFICIENCY, TYPE I; NEUROAXONAL DYSTROPHY, SCHINDLER TYPE; ALPHA-N-ACETYLGALACTOSAMINIDASE DEFICIENCY, TYPE I. Identifiers: Orphanet 3137, Orphanet 79279, Orphanet 79281, MedGen C1836544, MONDO:0012221, OMIM 609241.

gnomAD v4.1: 2 of 1,613,606 alleles (0.00012%); highest among the groups gnomAD compares: Admixed American, 0.0033%; no homozygotes.

Submission:

Labcorp Genetics (formerly Invitae), Labcorp
Classification: Uncertain significance for Alpha-N-acetylgalactosaminidase deficiency type 1. Last evaluated: 2021-09-02. Review status: criteria provided, single submitter. Criteria: Invitae Variant Classification Sherloc (09022015). Collection method: clinical testing. Allele origin: germline.
Comment: This sequence change replaces asparagine with threonine at codon 391 of the NAGA protein (p.Asn391Thr). The asparagine residue is highly conserved and there is a small physicochemical difference between asparagine and threonine. This variant is present in population databases (rs752717782, ExAC 0.02%). This variant has not been reported in the literature in individuals affected with NAGA-related conditions. Algorithms developed to predict the effect of missense changes on protein structure and function (SIFT, PolyPhen-2, Align-GVGD) all suggest that this variant is likely to be tolerated. In summary, the available evidence is currently insufficient to determine the role of this variant in disease. Therefore, it has been classified as a Variant of Uncertain Significance.